The following is an entry in ClinVar:

NM_006739.4(MCM5):c.971G>A (p.Arg324His)

Gene: MCM5 (minichromosome maintenance complex component 5; plus strand). Cytogenetic location: 22q12.3.
Variant type: single nucleotide variant.
Coding change: c.971G>A on transcript NM_006739.4 (MANE Select); coding-DNA position 971, G replaced by A.
Protein change: p.Arg324His; replaces arginine 324 with histidine.
Molecular consequence: missense variant.
Genome position (GRCh38, 1-based): chr22:35,412,561, G>A. VCF-style: chr22-35412561-G-A. GRCh37 (hg19) VCF-style: chr22-35808554-G-A.
Other names: short protein forms R324H.
Identifiers: ClinVar variation 3607812 (VCV003607812.2).

ClinVar aggregate classification (germline): Uncertain significance (1 of 4 stars; one submission).

gnomAD v4.1: 21 of 1,580,940 alleles (0.0013%); highest among the groups gnomAD compares: Admixed American, 0.0018%; no homozygotes.

Submission:

Labcorp Genetics (formerly Invitae), Labcorp
Classification: Uncertain significance. Last evaluated: 2024-06-04. Review status: criteria provided, single submitter. Criteria: Invitae Variant Classification Sherloc (09022015). Collection method: clinical testing. Allele origin: germline.
Comment: This sequence change replaces arginine, which is basic and polar, with histidine, which is basic and polar, at codon 324 of the MCM5 protein (p.Arg324His). This variant is present in population databases (rs757968764, gnomAD 0.004%). This variant has not been reported in the literature in individuals affected with MCM5-related conditions. Advanced modeling of protein sequence and biophysical properties (such as structural, functional, and spatial information, amino acid conservation, physicochemical variation, residue mobility, and thermodynamic stability) performed at Invitae indicates that this missense variant is not expected to disrupt MCM5 protein function with a negative predictive value of 80%. In summary, the available evidence is currently insufficient to determine the role of this variant in disease. Therefore, it has been classified as a Variant of Uncertain Significance.